The following is an entry in ClinVar:

NM_001164496.2(CFAP44):c.259C>T (p.Gln87Ter)

Genes: CFAP44-AS1 (CFAP44 antisense RNA 1; plus strand), SPICE1-CFAP44 (SPICE1-CFAP44 readthrough (NMD candidate); minus strand), CFAP44 (cilia and flagella associated protein 44; minus strand). Cytogenetic location: 3q13.2.
Variant type: single nucleotide variant.
Coding change: c.259C>T on transcript NM_001164496.2 (MANE Select); coding-DNA position 259, C replaced by T.
Protein change: p.Gln87Ter; replaces glutamine 87 with a stop codon.
Molecular consequence: nonsense.
Genome position (GRCh38, 1-based): chr3:113,426,272, G>A on the plus strand (C>T on the coding strand, the complement: CFAP44 is on the minus strand). VCF-style: chr3-113426272-G-A. GRCh37 (hg19) VCF-style: chr3-113145119-G-A.
Other names: c.259C>T, p.Gln87Ter (NM_018338.3); short protein forms Q87*.
Identifiers: ClinVar variation 2058075 (VCV002058075.2), dbSNP rs142299289, ClinGen allele CA2544511.

ClinVar aggregate classification (germline): Pathogenic/Likely pathogenic. Review status: criteria provided, multiple submitters, no conflicts (2 of 4 stars). 2 submissions from 2 submitters: Pathogenic (1); Likely pathogenic (1). Last evaluated 2026-08-06.

Allele frequency attached by ClinVar (database versions not stated): gnomAD exomes 0.00004; ExAC 0.00010; 1000 Genomes Project 0.00020; gnomAD 0.00046; 1000 Genomes Project 30x 0.00031; TOPMed 0.00036; ESP Exome Variant Server 0.00046.

Submissions (2):

OLLIN Analises Genomicas, OLLIN
Classification: Likely pathogenic. Last evaluated: 2026-08-06. Review status: criteria provided, single submitter. Criteria: ACMG Guidelines 2015 PMID 25741868. Collection method: clinical testing. Allele origin: germline.
Comment: This nonsense variant, located in exon 4 (of 35), has been reported in ClinVar (accession VCV002058075.1) and in gnomAD with an allele frequency of 0.0075%. However, to our knowledge, it has not been reported in the scientific literature. This variant introduces a premature stop codon, which is predicted to result in either a truncated protein or degradation of the mRNA via nonsense-mediated decay (NMD). According to the currently available evidence, this variant has been classified as likely pathogenic (PVS1, PM2_P).

Labcorp Genetics (formerly Invitae), Labcorp
Classification: Pathogenic. Last evaluated: 2022-06-28. Review status: criteria provided, single submitter. Criteria: Invitae Variant Classification Sherloc (09022015). Collection method: clinical testing. Allele origin: germline.
Comment: This sequence change creates a premature translational stop signal (p.Gln87*) in the CFAP44 gene. It is expected to result in an absent or disrupted protein product. Loss-of-function variants in CFAP44 are known to be pathogenic (PMID: 29449551). This variant is present in population databases (rs142299289, gnomAD 0.1%). This variant has not been reported in the literature in individuals affected with CFAP44-related conditions. Algorithms developed to predict the effect of sequence changes on RNA splicing suggest that this variant may disrupt the consensus splice site. For these reasons, this variant has been classified as Pathogenic.

Literature cited by the submitters: PubMed 29449551 (cited by Labcorp Genetics (formerly Invitae), Labcorp).